The following is an entry in ClinVar:

ClinVar aggregate classification (germline): Uncertain significance. Review status: criteria provided, multiple submitters, no conflicts (2 of 4 stars). 2 submissions from 2 submitters: Uncertain significance (2). Last evaluated 2024-12-20.

Allele frequency attached by ClinVar (database versions not stated): TOPMed 0.00012; gnomAD 0.00014; ExAC 0.00013; gnomAD exomes 0.00014.
gnomAD v4.1: 209 of 1,551,702 alleles (0.013%); highest among the groups gnomAD compares: Non-Finnish European, 0.017%; 1 homozygote.

Submissions (2):

Labcorp Genetics (formerly Invitae), Labcorp
Classification: Uncertain significance. Last evaluated: 2024-12-20. Review status: criteria provided, single submitter. Criteria: Invitae Variant Classification Sherloc (09022015). Collection method: clinical testing. Allele origin: germline.
Comment: This sequence change replaces alanine, which is neutral and non-polar, with threonine, which is neutral and polar, at codon 1617 of the WDR87 protein (p.Ala1617Thr). This variant is present in population databases (rs761887953, gnomAD 0.02%). This variant has not been reported in the literature in individuals affected with WDR87-related conditions. ClinVar contains an entry for this variant (Variation ID: 2057867). An algorithm developed to predict the effect of missense changes on protein structure and function (PolyPhen-2) suggests that this variant is likely to be disruptive. In summary, the available evidence is currently insufficient to determine the role of this variant in disease. Therefore, it has been classified as a Variant of Uncertain Significance.

Ambry Genetics
Classification: Uncertain significance. Last evaluated: 2024-06-28. Review status: criteria provided, single submitter. Criteria: Ambry Variant Classification Scheme 2023. Collection method: clinical testing. Allele origin: germline.

NM_001291088.2(WDR87):c.4966G>A (p.Ala1656Thr)

Gene: WDR87 (WD repeat domain 87; minus strand). Cytogenetic location: 19q13.13.
Variant type: single nucleotide variant.
Coding change: c.4966G>A on transcript NM_001291088.2 (MANE Select); coding-DNA position 4966, G replaced by A.
Protein change: p.Ala1656Thr; replaces alanine 1656 with threonine.
Molecular consequence: missense variant.
Genome position (GRCh38, 1-based): chr19:37,888,705, C>T on the plus strand (G>A on the coding strand, the complement: WDR87 is on the minus strand). VCF-style: chr19-37888705-C-T. GRCh37 (hg19) VCF-style: chr19-38379345-C-T.
Other names: c.4849G>A (NM_031951.3); c.4849G>A, p.Ala1617Thr (NM_031951.5); short protein forms A1656T, A1617T.
Identifiers: ClinVar variation 2057867 (VCV002057867.5), dbSNP rs761887953, ClinGen allele CA9408612.
Genomic context (GRCh38, chr19:37,888,705, plus strand): 5'-ACTTACCCTCTGCCTGGGCCATTTCCCTGTCATCCTGGGTTATTTTCACGTATGCCTGGG[C>T]CAGTTTTCTCTCTTCCTGGGCCAACTGTCTCTCTTCTTGTGCAAGTTTCTCTTCTTCTTG-3'
Protein context (NP_001278017.1, residues 1646-1666): RQLAQEERKL[Ala1656Thr]QAYVKITQDD